The following is an entry in ClinVar:

ClinVar aggregate classification (germline): Benign. Review status: criteria provided, single submitter (1 of 4 stars). 2 submissions from 2 submitters: Benign (1). 1 of the submissions does not count toward it. Last evaluated 2025-11-03.

Conditions:
SLC13A3-related disorder. Also called: SLC13A3-related condition.

Allele frequency attached by ClinVar (database versions not stated): ESP Exome Variant Server 0.00062; 1000 Genomes Project 0.00080; 1000 Genomes Project 30x 0.00094.
gnomAD v4.1: 166 of 1,612,662 alleles (0.01%); highest among the groups gnomAD compares: African/African-American, 0.18%; 1 homozygote.

Submissions (2):

Labcorp Genetics (formerly Invitae), Labcorp
Classification: Benign. Last evaluated: 2025-11-03. Review status: criteria provided, single submitter. Criteria: Invitae Variant Classification Sherloc (09022015). Collection method: clinical testing. Allele origin: germline.

PreventionGenetics, part of Exact Sciences
Classification: Likely benign for SLC13A3-related condition. Last evaluated: 2019-11-20. Review status: no assertion criteria provided. Collection method: clinical testing. Allele origin: germline. Not counted in ClinVar's aggregate classification.
Comment: This variant is classified as likely benign based on ACMG/AMP sequence variant interpretation guidelines (Richards et al. 2015 PMID: 25741868, with internal and published modifications).

NM_022829.6(SLC13A3):c.1392C>T (p.Pro464=)

Gene: SLC13A3 (solute carrier family 13 member 3; minus strand). Cytogenetic location: 20q13.12.
Variant type: single nucleotide variant.
Coding change: c.1392C>T on transcript NM_022829.6 (MANE Select); coding-DNA position 1392, C replaced by T.
Protein change: p.Pro464=; no amino-acid change (proline 464 retained).
Molecular consequence: synonymous variant.
Genome position (GRCh38, 1-based): chr20:46,566,331, G>A on the plus strand (C>T on the coding strand, the complement: SLC13A3 is on the minus strand). VCF-style: chr20-46566331-G-A. GRCh37 (hg19) VCF-style: chr20-45194970-G-A.
Other names: c.1392C>T (NM_022829.5); c.1251C>T, p.Pro417= (NM_001011554.3); c.1242C>T, p.Pro414= (NM_001193339.2); c.1146C>T, p.Pro382= (NM_001193340.2); c.1098C>T, p.Pro366= (NM_001193342.2).
Identifiers: ClinVar variation 2081206 (VCV002081206.6), dbSNP rs149123701, ClinGen allele CA9891278.
Genomic context (GRCh38, chr20:46,566,331, plus strand): 5'-GTTGCTGGCAAACTCAGTGAAGAAGGCGATGACCACAGTGATGAGCAGCACAGCCAGGGC[G>A]GGGGGCACATTCTCCAGGGGGTGCAGCTGCCCACCAATCCATACAGACAGCCCCGATTCC-3'
Protein context (NP_073740.2, residues 454-474): GQLHPLENVP[Pro464=]ALAVLLITVV